The following is an entry in ClinVar:

NM_001004334.4(GPR179):c.825G>C (p.Gln275His)

Gene: GPR179 (G protein-coupled receptor 179; minus strand). Cytogenetic location: 17q12.
Variant type: single nucleotide variant.
Coding change: c.825G>C on transcript NM_001004334.4 (MANE Select); coding-DNA position 825, G replaced by C.
Protein change: p.Gln275His; replaces glutamine 275 with histidine.
Molecular consequence: missense variant.
Genome position (GRCh38, 1-based): chr17:38,339,495, C>G on the plus strand (G>C on the coding strand, the complement: GPR179 is on the minus strand). VCF-style: chr17-38339495-C-G. GRCh37 (hg19) VCF-style: chr17-36495378-C-G.
Other names: short protein forms Q275H.
Identifiers: ClinVar variation 1968960 (VCV001968960.5), dbSNP rs780889061, ClinGen allele CA290110170.

ClinVar aggregate classification (germline): Uncertain significance (1 of 4 stars; one submission).

Allele frequency attached by ClinVar (database versions not stated): gnomAD exomes below 0.00001; TOPMed below 0.00001; ExAC 0.00001.
gnomAD v4.1: 2 of 1,614,012 alleles (0.00012%); highest among the groups gnomAD compares: Admixed American, 0.0033%; no homozygotes.

Submission:

Labcorp Genetics (formerly Invitae), Labcorp
Classification: Uncertain significance. Last evaluated: 2022-06-08. Review status: criteria provided, single submitter. Criteria: Invitae Variant Classification Sherloc (09022015). Collection method: clinical testing. Allele origin: germline.
Comment: In summary, the available evidence is currently insufficient to determine the role of this variant in disease. Therefore, it has been classified as a Variant of Uncertain Significance. Algorithms developed to predict the effect of missense changes on protein structure and function are either unavailable or do not agree on the potential impact of this missense change (SIFT: "Deleterious"; PolyPhen-2: "Probably Damaging"; Align-GVGD: "Class C0"). This variant has not been reported in the literature in individuals affected with GPR179-related conditions. This variant is present in population databases (rs780889061, gnomAD 0.006%). This sequence change replaces glutamine, which is neutral and polar, with histidine, which is basic and polar, at codon 275 of the GPR179 protein (p.Gln275His).